The following is an entry in ClinVar:

NM_000093.5(COL5A1):c.3592G>A (p.Gly1198Ser)

Gene: COL5A1 (collagen type V alpha 1 chain; plus strand). Cytogenetic location: 9q34.3.
Variant type: single nucleotide variant.
Coding change: c.3592G>A on transcript NM_000093.5 (MANE Select); coding-DNA position 3592, G replaced by A.
Protein change: p.Gly1198Ser; replaces glycine 1198 with serine.
Molecular consequence: missense variant.
Genome position (GRCh38, 1-based): chr9:134,811,501, G>A. VCF-style: chr9-134811501-G-A. GRCh37 (hg19) VCF-style: chr9-137703347-G-A.
Other names: c.3592G>A, p.Gly1198Ser (NM_001278074.1); short protein forms G1198S.
Identifiers: ClinVar variation 409120 (VCV000409120.25), dbSNP rs372499629, ClinGen allele CA5319965.

ClinVar aggregate classification (germline): Conflicting classifications of pathogenicity. Review status: criteria provided, conflicting classifications (1 of 4 stars). 6 submissions from 6 submitters: Uncertain significance (4); Likely benign (2). Last evaluated 2025-12-24.

Conditions:
Ehlers-Danlos syndrome, classic type, 1 (EDSCL1). Also called: EHLERS-DANLOS SYNDROME, GRAVIS TYPE; EHLERS-DANLOS SYNDROME, SEVERE CLASSIC TYPE; Ehlers-Danlos Syndrome, Classic Type, COL5A1-Related; EDS I; Ehlers-Danlos syndrome, type 1. Identifiers: MedGen C0268335, MONDO:0019567, OMIM 130000.
Ehlers-Danlos syndrome, classic type, 2 (EDSCL2). Also called: Ehlers-Danlos syndrome type 2 (formerly); Ehlers-Danlos Syndrome, Classic Type, COL5A2-Related; Ehlers-Danlos syndrome, type 2. Identifiers: Orphanet 287, Orphanet 90318, MedGen C0268336, MONDO:0019568, OMIM 130010.
Connective tissue disorder. Also called: Connective tissue disease. Identifiers: MedGen C0009782, MONDO:0003900.
Familial thoracic aortic aneurysm and aortic dissection (TAAD). Also called: Thoracic aortic aneurysms and dissections. Identifiers: Orphanet 91387, MedGen C4707243, MONDO:0019625.

Allele frequency attached by ClinVar (database versions not stated): gnomAD 0.00007 and 0.00008; ESP Exome Variant Server 0.00015; TOPMed 0.00004; gnomAD exomes 0.00008 and 0.00009; ExAC 0.00020.
gnomAD v4.1: 128 of 1,612,572 alleles (0.0079%); highest among the groups gnomAD compares: Non-Finnish European, 0.0098%; no homozygotes.

Submissions (6):

Women's Health and Genetics/Laboratory Corporation of America, LabCorp
Classification: Likely benign. Last evaluated: 2025-12-24. Review status: criteria provided, single submitter. Criteria: LabCorp Variant Classification Summary - May 2015. Collection method: clinical testing. Allele origin: germline.
Comment: Variant summary: COL5A1 c.3592G>A (p.Gly1198Ser) results in a non-conservative amino acid change in the encoded protein sequence. Algorithms developed to predict the effect of missense changes on protein structure and function all suggest that this variant is likely to be disruptive. The variant allele was found at a frequency of 9.5e-05 in 243360 control chromosomes, predominantly at a frequency of 0.00019 within the Non-Finnish European subpopulation in the gnomAD database. The observed variant frequency within Non-Finnish European control individuals in the gnomAD database exceeds the estimated maximal expected allele frequency for disease-causing variants in COL5A1. To our knowledge, no occurrence of c.3592G>A in individuals affected with COL5A1-related conditions and no experimental evidence demonstrating its impact on protein function have been reported. ClinVar contains an entry for this variant (Variation ID: 409120). Based on the evidence outlined above, the variant was classified as likely benign.

Labcorp Genetics (formerly Invitae), Labcorp
Classification: Likely benign for Ehlers-Danlos syndrome, classic type, 1. Last evaluated: 2025-08-30. Review status: criteria provided, single submitter. Criteria: Invitae Variant Classification Sherloc (09022015). Collection method: clinical testing. Allele origin: germline.

Ambry Genetics
Classification: Uncertain significance for Familial thoracic aortic aneurysm and aortic dissection. Last evaluated: 2025-06-11. Review status: criteria provided, single submitter. Criteria: Ambry Variant Classification Scheme 2023. Collection method: clinical testing. Allele origin: germline.
Comment: The p.G1198S variant (also known as c.3592G>A), located in coding exon 46 of the COL5A1 gene, results from a G to A substitution at nucleotide position 3592. The glycine at codon 1198 is replaced by serine, an amino acid with similar properties. This was reported in a genome sequencing cohort (Stranneheim H et al. Genome Med, 2021 Mar;13:40). This amino acid position is highly conserved in available vertebrate species. In addition, this alteration is predicted to be deleterious by in silico analysis. Based on the available evidence, the clinical significance of this variant remains unclear.

Revvity Omics, Revvity
Classification: Uncertain significance. Last evaluated: 2025-06-11. Review status: criteria provided, single submitter. Criteria: ACMG Guidelines, 2015. Collection method: clinical testing. Allele origin: germline.

GeneDx
Classification: Uncertain significance. Last evaluated: 2023-12-29. Review status: criteria provided, single submitter. Criteria: GeneDx Variant Classification Process June 2021. Collection method: clinical testing. Allele origin: germline. Affected: yes.
Comment: Has not been previously published as pathogenic or benign in association with Ehlers-Danlos syndrome to our knowledge; In silico analysis supports that this missense variant has a deleterious effect on protein structure/function; This variant is associated with the following publications: (PMID: 22696272, 33726816)

Center for Human Genetics, Inc
Classification: Uncertain significance for Connective tissue disorder. Last evaluated: 2016-11-01. Review status: criteria provided, single submitter. Criteria: ACMG Guidelines, 2015. Collection method: clinical testing. Allele origin: germline. Affected: yes.

Literature cited by the submitters: PubMed 33726816 (cited by Ambry Genetics).